The following is an entry in ClinVar:

NM_003000.3(SDHB):c.23C>G (p.Ser8Cys)

Gene: SDHB (succinate dehydrogenase complex iron sulfur subunit B; minus strand). Cytogenetic location: 1p36.13.
Variant type: single nucleotide variant.
Coding change: c.23C>G on transcript NM_003000.3 (MANE Select); coding-DNA position 23, C replaced by G.
Protein change: p.Ser8Cys; replaces serine 8 with cysteine.
Molecular consequence: missense variant.
Genome position (GRCh38, 1-based): chr1:17,053,997, G>C on the plus strand (C>G on the coding strand, the complement: SDHB is on the minus strand). VCF-style: chr1-17053997-G-C. GRCh37 (hg19) VCF-style: chr1-17380492-G-C.
Other names: c.23C>G, p.Ser8Cys (NM_001407361.1); short protein forms S8C.
Identifiers: ClinVar variation 3951389 (VCV003951389.2).

ClinVar aggregate classification (germline): Uncertain significance. Review status: criteria provided, multiple submitters, no conflicts (2 of 4 stars). 2 submissions from 2 submitters: Uncertain significance (2). Last evaluated 2026-01-27.

Conditions:
Hereditary cancer-predisposing syndrome. Also called: Neoplastic Syndromes, Hereditary; Tumor predisposition; Hereditary Cancer Syndrome; Hereditary neoplastic syndrome. Identifiers: Orphanet 140162, MedGen C0027672, MeSH D009386, MONDO:0015356.
Pheochromocytoma. Also called: MAX-Related Hereditary Paraganglioma-Pheochromocytoma Syndrome. Identifiers: Orphanet 29072, MedGen C0031511, MONDO:0008233, OMIM 171300, HP:0002666.
Pheochromocytoma/paraganglioma syndrome 4. Also called: CAROTID BODY TUMORS AND MULTIPLE EXTRAADRENAL PHEOCHROMOCYTOMAS; PARAGANGLIOMA, FAMILIAL MALIGNANT; PARAGANGLIOMAS, HEREDITARY EXTRAADRENAL; PHEOCHROMOCYTOMA, FAMILIAL EXTRAADRENAL; Paragangliomas 4; SDHB-Related Hereditary Paraganglioma-Pheochromocytoma Syndrome (Paragangliomas 4). Identifiers: Orphanet 29072, MedGen C1861848, MONDO:0007273, OMIM 115310.
Gastrointestinal stromal tumor. Also called: Gastrointestinal stromal tumor, somatic; Gastrointestinal stroma tumor. Identifiers: Orphanet 44890, MedGen C0238198, MeSH D046152, MONDO:0011719, OMIM 606764, HP:0100723.

Submissions (2):

Labcorp Genetics (formerly Invitae), Labcorp
Classification: Uncertain significance for Gastrointestinal stromal tumor; Pheochromocytoma/paraganglioma syndrome 4; Pheochromocytoma. Last evaluated: 2026-01-27. Review status: criteria provided, single submitter. Criteria: Invitae Variant Classification Sherloc (09022015). Collection method: clinical testing. Allele origin: germline.
Comment: This sequence change replaces serine, which is neutral and polar, with cysteine, which is neutral and slightly polar, at codon 8 of the SDHB protein (p.Ser8Cys). This variant is present in population databases (rs199848267, gnomAD 0.007%). This variant has not been reported in the literature in individuals affected with SDHB-related conditions. ClinVar contains an entry for this variant (Variation ID: 3951389). Invitae Evidence Modeling of protein sequence and biophysical properties (such as structural, functional, and spatial information, amino acid conservation, physicochemical variation, residue mobility, and thermodynamic stability) has been performed for this missense variant. However, the output from this modeling did not meet the statistical confidence thresholds required to predict the impact of this variant on SDHB protein function. In summary, the available evidence is currently insufficient to determine the role of this variant in disease. Therefore, it has been classified as a Variant of Uncertain Significance.

Ambry Genetics
Classification: Uncertain significance for Hereditary cancer-predisposing syndrome. Last evaluated: 2025-04-28. Review status: criteria provided, single submitter. Criteria: Ambry Variant Classification Scheme 2023. Collection method: clinical testing. Allele origin: germline.
Comment: The p.S8C variant (also known as c.23C>G), located in coding exon 1 of the SDHB gene, results from a C to G substitution at nucleotide position 23. The serine at codon 8 is replaced by cysteine, an amino acid with dissimilar properties. This amino acid position is conserved. In addition, this alteration is predicted to be deleterious by in silico analysis. Based on the available evidence, the clinical significance of this variant remains unclear.